The following is an entry in ClinVar:

ClinVar aggregate classification (germline): Uncertain significance. Review status: criteria provided, multiple submitters, no conflicts (2 of 4 stars). 4 submissions from 4 submitters: Uncertain significance (4). Last evaluated 2025-07-21.

Conditions:
Sclerosteosis 2 (SOST2). Identifiers: Orphanet 3152, MedGen C3280402, MONDO:0013679, OMIM 614305.
Congenital myasthenic syndrome 17. Identifiers: Orphanet 590, MedGen C4225377, MONDO:0014578, OMIM 616304.
Cenani-Lenz syndactyly syndrome. Also called: SYNDACTYLY, TYPE VII; CENANI SYNDACTYLISM. Identifiers: Orphanet 3258, MedGen C1859309, MONDO:0008931, OMIM 212780.

Allele frequency attached by ClinVar (database versions not stated): gnomAD 0.00011 and 0.00014; gnomAD exomes 0.00001 and below 0.00001; TOPMed 0.00008; ESP Exome Variant Server 0.00008.

Submissions (4):

Women's Health and Genetics/Laboratory Corporation of America, LabCorp
Classification: Uncertain significance. Last evaluated: 2025-07-21. Review status: criteria provided, single submitter. Criteria: LabCorp Variant Classification Summary - May 2015. Collection method: clinical testing. Allele origin: germline.
Comment: Variant summary: LRP4 c.1700C>T (p.Thr567Ile) results in a non-conservative amino acid change in the encoded protein sequence. Algorithms developed to predict the effect of missense changes on protein structure and function all suggest that this variant is likely to be disruptive. Consensus agreement among computation tools predict no significant impact on normal splicing. However, these predictions have yet to be confirmed by functional studies. The variant allele was found at a frequency of 4e-06 in 248846 control chromosomes. The available data on variant occurrences in the general population are insufficient to allow any conclusion about variant significance. To our knowledge, no occurrence of c.1700C>T in individuals affected with LRP4-Related Disorders and no experimental evidence demonstrating its impact on protein function have been reported. ClinVar contains an entry for this variant (Variation ID: 1019463). Based on the evidence outlined above, the variant was classified as uncertain significance.

Revvity Omics, Revvity
Classification: Uncertain significance. Last evaluated: 2025-03-05. Review status: criteria provided, single submitter. Criteria: ACMG Guidelines, 2015. Collection method: clinical testing. Allele origin: germline.

Fulgent Genetics
Classification: Uncertain significance for Cenani-Lenz syndactyly syndrome; Sclerosteosis 2; Congenital myasthenic syndrome 17. Last evaluated: 2024-04-18. Review status: criteria provided, single submitter. Criteria: ACMG Guidelines, 2015. Collection method: clinical testing. Allele origin: germline.

Labcorp Genetics (formerly Invitae), Labcorp
Classification: Uncertain significance for Cenani-Lenz syndactyly syndrome; Sclerosteosis 2; Congenital myasthenic syndrome 17. Last evaluated: 2020-01-24. Review status: criteria provided, single submitter. Criteria: Invitae Variant Classification Sherloc (09022015). Collection method: clinical testing. Allele origin: germline.
Comment: In summary, the available evidence is currently insufficient to determine the role of this variant in disease. Therefore, it has been classified as a Variant of Uncertain Significance. Algorithms developed to predict the effect of missense changes on protein structure and function are either unavailable or do not agree on the potential impact of this missense change (SIFT: "Deleterious"; PolyPhen-2: "Benign"; Align-GVGD: "Class C0"). This variant has not been reported in the literature in individuals with LRP4-related conditions. This variant is not present in population databases (ExAC no frequency). This sequence change replaces threonine with isoleucine at codon 567 of the LRP4 protein (p.Thr567Ile). The threonine residue is highly conserved and there is a moderate physicochemical difference between threonine and isoleucine.

NM_002334.4(LRP4):c.1700C>T (p.Thr567Ile)

Gene: LRP4 (LDL receptor related protein 4; minus strand). Cytogenetic location: 11p11.2.
Variant type: single nucleotide variant.
Coding change: c.1700C>T on transcript NM_002334.4 (MANE Select); coding-DNA position 1700, C replaced by T.
Protein change: p.Thr567Ile; replaces threonine 567 with isoleucine.
Molecular consequence: missense variant.
Genome position (GRCh38, 1-based): chr11:46,890,492, G>A on the plus strand (C>T on the coding strand, the complement: LRP4 is on the minus strand). VCF-style: chr11-46890492-G-A. GRCh37 (hg19) VCF-style: chr11-46912043-G-A.
Other names: short protein forms T567I.
Identifiers: ClinVar variation 1019463 (VCV001019463.9), dbSNP rs143885233, ClinGen allele CA221643978.
Genomic context (GRCh38, chr11:46,890,492, plus strand): 5'-GAGCCATCCATGCTGGAGGCCTCAATACGGGGGGTGTTGCCCCAGTCTGTCCAGTAAATG[G>A]TACTAGGAAGAGAAAAGTAAATTGGGAAGTGGGCAGCAGAAAACAGGTAGGTAACCAGGA-3'
Protein context (NP_002325.2, residues 557-577): RAIALHPMEG[Thr567Ile]IYWTDWGNTP